The following is an entry in ClinVar:

ClinVar aggregate classification (germline): Uncertain significance. Review status: criteria provided, multiple submitters, no conflicts (2 of 4 stars). 2 submissions from 2 submitters: Uncertain significance (2). Last evaluated 2021-10-12.

Conditions:
Inborn genetic diseases. Identifiers: MedGen C0950123, MeSH D030342.

Allele frequency attached by ClinVar (database versions not stated): gnomAD exomes 0.00003; ExAC 0.00004; TOPMed 0.00017; gnomAD 0.00019 and 0.00021; 1000 Genomes Project 0.00020; 1000 Genomes Project 30x 0.00031.
gnomAD v4.1: 40 of 1,610,450 alleles (0.0025%); highest among the groups gnomAD compares: African/African-American, 0.048%; no homozygotes.

Submissions (2):

Ambry Genetics
Classification: Uncertain significance for Inborn genetic diseases. Last evaluated: 2021-10-12. Review status: criteria provided, single submitter. Criteria: Ambry Variant Classification Scheme 2023. Collection method: clinical testing. Allele origin: germline.

Laboratory for Molecular Medicine, Mass General Brigham Personalized Medicine
Classification: Uncertain significance. Last evaluated: 2013-02-07. Review status: criteria provided, single submitter. Criteria: LMM Criteria. Collection method: clinical testing. Allele origin: germline. Observed: 2 variant alleles.
Comment: Variant classified as Uncertain Significance - Favor Benign. Computational analyses (biochemical amino acid properties, conservation, AlignG VGD, PolyPhen2, and SIFT) suggest that the Ala207Ser variant may not impact the protein, though this information is not predictive enough to rule out pathogenic ity. In summary, the clinical significance of this variant cannot be determined with certainty; however based upon the computational predictions, we would lean towards a more likely benign role.

NM_015404.4(WHRN):c.619G>T (p.Ala207Ser)

Gene: WHRN (whirlin; minus strand). Cytogenetic location: 9q32.
Variant type: single nucleotide variant.
Coding change: c.619G>T on transcript NM_015404.4 (MANE Select); coding-DNA position 619, G replaced by T.
Protein change: p.Ala207Ser; replaces alanine 207 with serine.
Molecular consequence: missense variant. On other transcripts: 5 prime UTR variant (1).
Genome position (GRCh38, 1-based): chr9:114,478,771, C>A on the plus strand (G>T on the coding strand, the complement: WHRN is on the minus strand). VCF-style: chr9-114478771-C-A. GRCh37 (hg19) VCF-style: chr9-117241051-C-A.
Other names: c.-531G>T (NM_001083885.3); c.619G>T, p.Ala207Ser (NM_001173425.2); short protein forms A207S.
Identifiers: ClinVar variation 45678 (VCV000045678.8), dbSNP rs111033469, ClinGen allele CA136924.